The following is an entry in ClinVar:

ClinVar aggregate classification (germline): Pathogenic (1 of 4 stars; one submission).

Submission:

Labcorp Genetics (formerly Invitae), Labcorp
Classification: Pathogenic. Last evaluated: 2024-10-29. Review status: criteria provided, single submitter. Criteria: Invitae Variant Classification Sherloc (09022015). Collection method: clinical testing. Allele origin: germline.
Comment: This sequence change creates a premature translational stop signal (p.Glu38*) in the CNGB1 gene. It is expected to result in an absent or disrupted protein product. Loss-of-function variants in CNGB1 are known to be pathogenic (PMID: 15557452, 24043777). This variant is not present in population databases (gnomAD no frequency). This variant has not been reported in the literature in individuals affected with CNGB1-related conditions. ClinVar contains an entry for this variant (Variation ID: 1070225). For these reasons, this variant has been classified as Pathogenic.

Literature cited by the submitters: PubMed 15557452; PubMed 24043777.

NM_001297.5(CNGB1):c.112G>T (p.Glu38Ter)

Gene: CNGB1 (cyclic nucleotide gated channel subunit beta 1; minus strand). Cytogenetic location: 16q21.
Variant type: single nucleotide variant.
Coding change: c.112G>T on transcript NM_001297.5 (MANE Select); coding-DNA position 112, G replaced by T.
Protein change: p.Glu38Ter; replaces glutamic acid 38 with a stop codon.
Molecular consequence: nonsense.
Genome position (GRCh38, 1-based): chr16:57,967,175, C>A on the plus strand (G>T on the coding strand, the complement: CNGB1 is on the minus strand). VCF-style: chr16-57967175-C-A. GRCh37 (hg19) VCF-style: chr16-58001079-C-A.
Other names: c.112G>T, p.Glu38Ter (NM_001135639.2, NM_001286130.2); short protein forms E38*.
Identifiers: ClinVar variation 1070225 (VCV001070225.7), dbSNP rs2149390170, ClinGen allele CA396063661.